The following is an entry in ClinVar:

NM_052876.4(NACC1):c.542T>G (p.Val181Gly)

Gene: NACC1 (nucleus accumbens associated 1; plus strand). Cytogenetic location: 19p13.13.
Variant type: single nucleotide variant.
Coding change: c.542T>G on transcript NM_052876.4 (MANE Select); coding-DNA position 542, T replaced by G.
Protein change: p.Val181Gly; replaces valine 181 with glycine.
Molecular consequence: missense variant.
Genome position (GRCh38, 1-based): chr19:13,135,749, T>G. VCF-style: chr19-13135749-T-G. GRCh37 (hg19) VCF-style: chr19-13246563-T-G.
Other names: short protein forms V181G.
Identifiers: ClinVar variation 2579768 (VCV002579768.1), dbSNP rs2513135842, ClinGen allele CA404325596.

ClinVar aggregate classification (germline): Uncertain significance (1 of 4 stars; one submission).

Allele frequency attached by ClinVar (database versions not stated): gnomAD exomes below 0.00001.
gnomAD v4.1: 2 of 1,559,808 alleles (0.00013%); highest among the groups gnomAD compares: Non-Finnish European, 0.000087%; no homozygotes.

Submission:

GeneDx
Classification: Uncertain significance. Last evaluated: 2023-03-17. Review status: criteria provided, single submitter. Criteria: GeneDx Variant Classification Process June 2021. Collection method: clinical testing. Allele origin: germline. Affected: yes.
Comment: Not observed at significant frequency in large population cohorts (gnomAD); In silico analysis supports that this missense variant does not alter protein structure/function; Has not been previously published as pathogenic or benign to our knowledge